The following is an entry in ClinVar:

NM_015450.3(POT1):c.551G>A (p.Trp184Ter)

Gene: POT1 (protection of telomeres 1; minus strand). Cytogenetic location: 7q31.33.
Variant type: single nucleotide variant.
Coding change: c.551G>A on transcript NM_015450.3 (MANE Select); coding-DNA position 551, G replaced by A.
Protein change: p.Trp184Ter; replaces tryptophan 184 with a stop codon.
Molecular consequence: nonsense. On other transcripts: non-coding transcript variant (3).
Genome position (GRCh38, 1-based): chr7:124,859,108, C>T on the plus strand (G>A on the coding strand, the complement: POT1 is on the minus strand). VCF-style: chr7-124859108-C-T. GRCh37 (hg19) VCF-style: chr7-124499162-C-T.
Other names: c.158G>A, p.Trp53Ter (NM_001042594.2); short protein forms W184*, W53*.
Identifiers: ClinVar variation 3685617 (VCV003685617.2).

ClinVar aggregate classification (germline): Pathogenic (1 of 4 stars; one submission).

Conditions:
Tumor predisposition syndrome 3 (TPDS3). Also called: Glioma susceptibility 9; LONG TELOMERE SYNDROME, POT1-RELATED; POT1 Tumor Predisposition; Melanoma, cutaneous malignant, susceptibility to, 10. Identifiers: Orphanet 618, MedGen C4014476, MONDO:0014368, OMIM 615848.

Submission:

Labcorp Genetics (formerly Invitae), Labcorp
Classification: Pathogenic for Tumor predisposition syndrome 3. Last evaluated: 2024-05-29. Review status: criteria provided, single submitter. Criteria: Invitae Variant Classification Sherloc (09022015). Collection method: clinical testing. Allele origin: germline.
Comment: This sequence change creates a premature translational stop signal (p.Trp184*) in the POT1 gene. It is expected to result in an absent or disrupted protein product. Loss-of-function variants in POT1 are known to be pathogenic (PMID: 32155570). This variant is not present in population databases (gnomAD no frequency). This variant has not been reported in the literature in individuals affected with POT1-related conditions. For these reasons, this variant has been classified as Pathogenic.

Literature cited by the submitters: PubMed 32155570.